The following is an entry in ClinVar:

NM_001267550.2(TTN):c.85533A>T (p.Lys28511Asn)

Genes: TTN (titin; minus strand), TTN-AS1 (TTN antisense RNA 1; plus strand). Cytogenetic location: 2q31.2.
Variant type: single nucleotide variant.
Coding change: c.85533A>T on transcript NM_001267550.2 (MANE Select); coding-DNA position 85533, A replaced by T.
Protein change: p.Lys28511Asn; replaces lysine 28511 with asparagine.
Molecular consequence: missense variant.
Genome position (GRCh38, 1-based): chr2:178,560,599, T>A on the plus strand (A>T on the coding strand, the complement: TTN is on the minus strand). VCF-style: chr2-178560599-T-A. GRCh37 (hg19) VCF-style: chr2-179425326-T-A.
Other names: c.80610A>T, p.Lys26870Asn (NM_001256850.1); c.58338A>T, p.Lys19446Asn (NM_003319.4); c.77829A>T, p.Lys25943Asn (NM_133378.4); c.58713A>T, p.Lys19571Asn (NM_133432.3); c.58914A>T, p.Lys19638Asn (NM_133437.4); short protein forms K19446N, K19571N, K19638N, K25943N, K26870N, K28511N.
Identifiers: ClinVar variation 4088076 (VCV004088076.1).

ClinVar aggregate classification (germline): Uncertain significance (1 of 4 stars; one submission).

gnomAD v4.1: 1 of 1,613,514 alleles (0.000062%); highest among the groups gnomAD compares: Non-Finnish European, 0.000085%; no homozygotes.

Submission:

GeneDx
Classification: Uncertain significance. Last evaluated: 2025-03-28. Review status: criteria provided, single submitter. Criteria: GeneDx Variant Classification Process June 2021. Collection method: clinical testing. Allele origin: germline. Affected: yes.
Comment: Not observed at significant frequency in large population cohorts (gnomAD); Missense variant in a gene in which most reported pathogenic variants are truncating/loss of function; Has not been previously published as pathogenic or benign to our knowledge